The following is an entry in ClinVar:

NM_001379029.1(CERT1):c.1732A>G (p.Thr578Ala)

Gene: CERT1 (ceramide transporter 1; minus strand). Cytogenetic location: 5q13.3.
Variant type: single nucleotide variant.
Coding change: c.1732A>G on transcript NM_001379029.1 (MANE Select); coding-DNA position 1732, A replaced by G.
Protein change: p.Thr578Ala; replaces threonine 578 with alanine.
Molecular consequence: missense variant.
Genome position (GRCh38, 1-based): chr5:75,381,087, T>C on the plus strand (A>G on the coding strand, the complement: CERT1 is on the minus strand). VCF-style: chr5-75381087-T-C. GRCh37 (hg19) VCF-style: chr5-74676912-T-C.
Other names: c.2116A>G, p.Thr706Ala (NM_001130105.1); c.1732A>G, p.Thr578Ala (NM_001379002.1, NM_005713.3); c.1654A>G, p.Thr552Ala (NM_001379003.1, NM_001379004.1, NM_031361.3); short protein forms T552A, T578A, T706A.
Identifiers: ClinVar variation 4849073 (VCV004849073.1).

ClinVar aggregate classification (germline): Uncertain significance (1 of 4 stars; one submission).

Submission:

Women's Health and Genetics/Laboratory Corporation of America, LabCorp
Classification: Uncertain significance. Last evaluated: 2026-04-27. Review status: criteria provided, single submitter. Criteria: LabCorp Variant Classification Summary - May 2015. Collection method: clinical testing. Allele origin: germline.
Comment: Variant summary: CERT1 c.2116A>G (p.Thr706Ala) results in a non-conservative amino acid change in the encoded protein sequence. Algorithms developed to predict the effect of missense changes on protein structure and function are either unavailable or do not agree on the potential impact of this missense change. The variant was absent in 250258 control chromosomes. The available data on variant occurrences in the general population are insufficient to allow any conclusion about variant significance. To our knowledge, no occurrence of c.2116A>G in individuals affected with CERT1-related conditions and no experimental evidence demonstrating its impact on protein function have been reported. No submitters have cited clinical-significance assessments for this variant to ClinVar. Based on the evidence outlined above, the variant was classified as uncertain significance.